The following is an entry in ClinVar:

NM_006978.3(RNF113A):c.915C>T (p.Gly305=)

Gene: RNF113A (ring finger protein 113A; minus strand). Cytogenetic location: Xq24.
Variant type: single nucleotide variant.
Coding change: c.915C>T on transcript NM_006978.3 (MANE Select); coding-DNA position 915, C replaced by T.
Protein change: p.Gly305=; no amino-acid change (glycine 305 retained).
Molecular consequence: synonymous variant.
Genome position (GRCh38, 1-based): chrX:119,870,699, G>A on the plus strand (C>T on the coding strand, the complement: RNF113A is on the minus strand). VCF-style: chrX-119870699-G-A. GRCh37 (hg19) VCF-style: chrX-119004662-G-A.
Identifiers: ClinVar variation 2036369 (VCV002036369.4), dbSNP rs765752105, ClinGen allele CA10503428.

ClinVar aggregate classification (germline): Uncertain significance (1 of 4 stars; one submission).

Allele frequency attached by ClinVar (database versions not stated): ExAC 0.00001.

Submission:

Labcorp Genetics (formerly Invitae), Labcorp
Classification: Uncertain significance. Last evaluated: 2022-10-26. Review status: criteria provided, single submitter. Criteria: Invitae Variant Classification Sherloc (09022015). Collection method: clinical testing. Allele origin: germline.
Comment: This sequence change affects codon 305 of the RNF113A mRNA. It is a 'silent' change, meaning that it does not change the encoded amino acid sequence of the RNF113A protein. In summary, the available evidence is currently insufficient to determine the role of this variant in disease. Therefore, it has been classified as a Variant of Uncertain Significance. Experimental studies and prediction algorithms are not available or were not evaluated, and the effect of this variant on mRNA splicing is currently unknown. This variant has not been reported in the literature in individuals affected with RNF113A-related conditions. This variant is present in population databases (rs765752105, gnomAD 0.001%).